The following is an entry in ClinVar:

NM_014319.5(LEMD3):c.1942G>A (p.Val648Ile)

Gene: LEMD3 (LEM domain containing 3; plus strand). Cytogenetic location: 12q14.3.
Variant type: single nucleotide variant.
Coding change: c.1942G>A on transcript NM_014319.5 (MANE Select); coding-DNA position 1942, G replaced by A.
Protein change: p.Val648Ile; replaces valine 648 with isoleucine.
Molecular consequence: missense variant.
Genome position (GRCh38, 1-based): chr12:65,239,949, G>A. VCF-style: chr12-65239949-G-A. GRCh37 (hg19) VCF-style: chr12-65633729-G-A.
Other names: c.1939G>A, p.Val647Ile (NM_001167614.2); short protein forms V648I, V647I.
Identifiers: ClinVar variation 1473862 (VCV001473862.6), dbSNP rs1297889917, ClinGen allele CA385671804.

ClinVar aggregate classification (germline): Uncertain significance (1 of 4 stars; one submission).

Allele frequency attached by ClinVar (database versions not stated): gnomAD exomes 0.00001; gnomAD 0.00003; TOPMed 0.00003.
gnomAD v4.1: 12 of 1,610,222 alleles (0.00075%); highest among the groups gnomAD compares: African/African-American, 0.0067%; no homozygotes.

Submission:

Labcorp Genetics (formerly Invitae), Labcorp
Classification: Uncertain significance. Last evaluated: 2025-02-01. Review status: criteria provided, single submitter. Criteria: Invitae Variant Classification Sherloc (09022015). Collection method: clinical testing. Allele origin: germline.
Comment: This sequence change replaces valine, which is neutral and non-polar, with isoleucine, which is neutral and non-polar, at codon 648 of the LEMD3 protein (p.Val648Ile). This variant is present in population databases (no rsID available, gnomAD 0.006%). This variant has not been reported in the literature in individuals affected with LEMD3-related conditions. ClinVar contains an entry for this variant (Variation ID: 1473862). Invitae Evidence Modeling of protein sequence and biophysical properties (such as structural, functional, and spatial information, amino acid conservation, physicochemical variation, residue mobility, and thermodynamic stability) indicates that this missense variant is not expected to disrupt LEMD3 protein function with a negative predictive value of 80%. In summary, the available evidence is currently insufficient to determine the role of this variant in disease. Therefore, it has been classified as a Variant of Uncertain Significance.